The following is an entry in ClinVar:

ClinVar aggregate classification (germline): Uncertain significance (1 of 4 stars; one submission).

Conditions:
Progressive microcephaly-seizures-cortical blindness-developmental delay syndrome. Also called: Seizures, cortical blindness, and microcephaly syndrome. Identifiers: Orphanet 477814, MedGen C5567650, MONDO:0014714, OMIM 616632.
Autosomal dominant nonsyndromic hearing loss 1. Also called: DEAFNESS, AUTOSOMAL DOMINANT 1, WITH OR WITHOUT THROMBOCYTOPENIA; KONIGSMARK SYNDROME. Identifiers: Orphanet 90635, MedGen C1852282, MONDO:0007424, OMIM 124900.

Allele frequency attached by ClinVar (database versions not stated): TOPMed below 0.00001; gnomAD 0.00001.
gnomAD v4.1: 12 of 1,613,614 alleles (0.00074%); highest among the groups gnomAD compares: Middle Eastern, 0.016%; no homozygotes.

Submission:

Labcorp Genetics (formerly Invitae), Labcorp
Classification: Uncertain significance for Progressive microcephaly-seizures-cortical blindness-developmental delay syndrome; Autosomal dominant nonsyndromic hearing loss 1. Last evaluated: 2022-09-08. Review status: criteria provided, single submitter. Criteria: Invitae Variant Classification Sherloc (09022015). Collection method: clinical testing. Allele origin: germline.
Comment: This sequence change replaces isoleucine, which is neutral and non-polar, with valine, which is neutral and non-polar, at codon 862 of the DIAPH1 protein (p.Ile862Val). This variant is not present in population databases (gnomAD no frequency). This variant has not been reported in the literature in individuals affected with DIAPH1-related conditions. Algorithms developed to predict the effect of missense changes on protein structure and function are either unavailable or do not agree on the potential impact of this missense change (SIFT: "Deleterious"; PolyPhen-2: "Probably Damaging"; Align-GVGD: "Class C0"). Algorithms developed to predict the effect of sequence changes on RNA splicing suggest that this variant may create or strengthen a splice site. In summary, the available evidence is currently insufficient to determine the role of this variant in disease. Therefore, it has been classified as a Variant of Uncertain Significance.

NM_005219.5(DIAPH1):c.2584A>G (p.Ile862Val)

Gene: DIAPH1 (diaphanous related formin 1; minus strand). Cytogenetic location: 5q31.3.
Variant type: single nucleotide variant.
Coding change: c.2584A>G on transcript NM_005219.5 (MANE Select); coding-DNA position 2584, A replaced by G.
Protein change: p.Ile862Val; replaces isoleucine 862 with valine.
Molecular consequence: missense variant.
Genome position (GRCh38, 1-based): chr5:141,529,695, T>C on the plus strand (A>G on the coding strand, the complement: DIAPH1 is on the minus strand). VCF-style: chr5-141529695-T-C. GRCh37 (hg19) VCF-style: chr5-140909262-T-C.
Other names: c.2557A>G, p.Ile853Val (NM_001079812.3); c.2584A>G, p.Ile862Val (NM_001314007.2); short protein forms I862V, I853V.
Identifiers: ClinVar variation 2043792 (VCV002043792.4), dbSNP rs781089562, ClinGen allele CA361586652.